The following is an entry in ClinVar:

NM_004415.4(DSP):c.730G>A (p.Glu244Lys)

Gene: DSP (desmoplakin; plus strand). Cytogenetic location: 6p24.3.
Variant type: single nucleotide variant.
Coding change: c.730G>A on transcript NM_004415.4 (MANE Select); coding-DNA position 730, G replaced by A.
Protein change: p.Glu244Lys; replaces glutamic acid 244 with lysine.
Molecular consequence: missense variant.
Genome position (GRCh38, 1-based): chr6:7,563,739, G>A. VCF-style: chr6-7563739-G-A. GRCh37 (hg19) VCF-style: chr6-7563972-G-A.
Other names: c.730G>A, p.Glu244Lys (NM_001008844.3, NM_001319034.2); short protein forms E244K.
Identifiers: ClinVar variation 4758382 (VCV004758382.2), dbSNP rs267601117.

ClinVar aggregate classification (germline): Uncertain significance. Review status: criteria provided, multiple submitters, no conflicts (2 of 4 stars). 2 submissions from 2 submitters: Uncertain significance (2). Last evaluated 2025-11-28.

Conditions:
Arrhythmogenic cardiomyopathy with wooly hair and keratoderma. Also called: PALMOPLANTAR KERATODERMA WITH LEFT VENTRICULAR CARDIOMYOPATHY AND WOOLLY HAIR; Dilated cardiomyopathy with woolly hair and keratoderma; Arrhythmogenic cardiomyopathy with woolly hair and keratoderma; Carvajal syndrome. Identifiers: Orphanet 65282, MedGen C1854063, MONDO:0011581, OMIM 605676.
Arrhythmogenic right ventricular dysplasia 8 (ARVD8). Also called: Arrhythmogenic Right Ventricular Dysplasia/Cardiomyopathy 8; ARRHYTHMOGENIC RIGHT VENTRICULAR DYSPLASIA, FAMILIAL, 8; ARRHYTHMOGENIC RIGHT VENTRICULAR CARDIOMYOPATHY 8. Identifiers: MedGen C1843896, MONDO:0011831, OMIM 607450.
Cardiomyopathy (CMYO). Also called: Cardiomyopathies. Identifiers: Orphanet 167848, MedGen C0878544, MONDO:0004994, HP:0001638. Inheritance: Various modes of inheritance.

Submissions (2):

Labcorp Genetics (formerly Invitae), Labcorp
Classification: Uncertain significance for Arrhythmogenic cardiomyopathy with wooly hair and keratoderma; Arrhythmogenic right ventricular dysplasia 8. Last evaluated: 2025-11-28. Review status: criteria provided, single submitter. Criteria: Invitae Variant Classification Sherloc (09022015). Collection method: clinical testing. Allele origin: germline.
Comment: This sequence change replaces glutamic acid, which is acidic and polar, with lysine, which is basic and polar, at codon 244 of the DSP protein (p.Glu244Lys). This variant is present in population databases (rs267601117, gnomAD 0.007%). This variant has not been reported in the literature in individuals affected with DSP-related conditions. An algorithm developed to predict the effect of missense changes on protein structure and function (PolyPhen-2) suggests that this variant is likely to be disruptive. In summary, the available evidence is currently insufficient to determine the role of this variant in disease. Therefore, it has been classified as a Variant of Uncertain Significance.

Color Diagnostics, LLC DBA Color Health
Classification: Uncertain significance for Cardiomyopathy. Last evaluated: 2025-08-30. Review status: criteria provided, single submitter. Criteria: ACMG Guidelines, 2015. Collection method: clinical testing. Allele origin: germline.
Comment: This missense variant replaces glutamic acid with lysine at codon 244 of the DSP protein. Computational prediction is inconclusive regarding the impact of this variant on protein structure and function. To our knowledge, functional studies have not been reported for this variant. This variant has not been reported in individuals affected with DSP-related disorders in the literature. This variant has been identified in 1/31384 chromosomes in the general population by the Genome Aggregation Database (gnomAD). The available evidence is insufficient to determine the role of this variant in disease conclusively. Therefore, this variant is classified as a Variant of Uncertain Significance.